The following is an entry in ClinVar:

ClinVar aggregate classification (germline): Conflicting classifications of pathogenicity. Review status: criteria provided, conflicting classifications (1 of 4 stars). 3 submissions from 3 submitters: Uncertain significance (2); Likely benign (1). Last evaluated 2025-11-27.

Conditions:
Hereditary cancer-predisposing syndrome. Also called: Tumor predisposition; Neoplastic Syndromes, Hereditary; Hereditary Cancer Syndrome; Hereditary neoplastic syndrome. Identifiers: Orphanet 140162, MedGen C0027672, MeSH D009386, MONDO:0015356.
POLD1-related polyposis and colorectal cancer syndrome (CRCS10). Also called: Colorectal cancer 10; COLORECTAL CANCER, SUSCEPTIBILITY TO, ON CHROMOSOME 19q; Colorectal cancer, susceptibility to, 10. Identifiers: Orphanet 220460, MedGen C2675481, MONDO:0012953, OMIM 612591.

Allele frequency attached by ClinVar (database versions not stated): gnomAD exomes 0.00001; ExAC 0.00003; gnomAD 0.00003; TOPMed 0.00003.
gnomAD v4.1: 16 of 1,572,202 alleles (0.001%); highest among the groups gnomAD compares: Admixed American, 0.0019%; no homozygotes.

Submissions (3):

Labcorp Genetics (formerly Invitae), Labcorp
Classification: Uncertain significance for POLD1-related polyposis and colorectal cancer syndrome. Last evaluated: 2025-11-27. Review status: criteria provided, single submitter. Criteria: Invitae Variant Classification Sherloc (09022015). Collection method: clinical testing. Allele origin: germline.
Comment: This sequence change replaces threonine, which is neutral and polar, with methionine, which is neutral and non-polar, at codon 282 of the POLD1 protein (p.Thr282Met). The frequency data for this variant in the population databases is considered unreliable, as metrics indicate poor data quality at this position in the gnomAD database. This missense change has been observed in individual(s) with POLD1-related conditions (PMID: 35534704). ClinVar contains an entry for this variant (Variation ID: 537064). Invitae Evidence Modeling of protein sequence and biophysical properties (such as structural, functional, and spatial information, amino acid conservation, physicochemical variation, residue mobility, and thermodynamic stability) has been performed for this missense variant. However, the output from this modeling did not meet the statistical confidence thresholds required to predict the impact of this variant on POLD1 protein function. In summary, the available evidence is currently insufficient to determine the role of this variant in disease. Therefore, it has been classified as a Variant of Uncertain Significance.

GeneDx
Classification: Uncertain significance. Last evaluated: 2025-07-08. Review status: criteria provided, single submitter. Criteria: GeneDx Variant Classification Process June 2021. Collection method: clinical testing. Allele origin: germline. Affected: yes.
Comment: Not observed at significant frequency in large population cohorts (gnomAD); In silico analysis supports that this missense variant has a deleterious effect on protein structure/function; Observed in an individual with a family history of breast cancer (PMID: 35534704); This variant is associated with the following publications: (PMID: 35534704)

Ambry Genetics
Classification: Likely benign for Hereditary cancer-predisposing syndrome. Last evaluated: 2024-12-11. Review status: criteria provided, single submitter. Criteria: Ambry Variant Classification Scheme 2023. Collection method: clinical testing. Allele origin: germline.

Literature cited by the submitters: PubMed 35534704 (cited by Labcorp Genetics (formerly Invitae), Labcorp).

NM_002691.4(POLD1):c.845C>T (p.Thr282Met)

Gene: POLD1 (DNA polymerase delta 1, catalytic subunit; plus strand). Cytogenetic location: 19q13.33.
Variant type: single nucleotide variant.
Coding change: c.845C>T on transcript NM_002691.4 (MANE Select); coding-DNA position 845, C replaced by T.
Protein change: p.Thr282Met; replaces threonine 282 with methionine.
Molecular consequence: missense variant. On other transcripts: non-coding transcript variant (1).
Genome position (GRCh38, 1-based): chr19:50,402,616, C>T. VCF-style: chr19-50402616-C-T. GRCh37 (hg19) VCF-style: chr19-50905873-C-T.
Other names: c.845C>T, p.Thr282Met (NM_001256849.1, NM_001308632.1); c.845C>T (NM_002691.2); short protein forms T282M.
Identifiers: ClinVar variation 537064 (VCV000537064.17), dbSNP rs756829126, ClinGen allele CA9595934.